The following is an entry in ClinVar:

NM_001042492.3(NF1):c.4011G>C (p.Arg1337=)

Gene: NF1 (neurofibromin 1; plus strand). Cytogenetic location: 17q11.2.
Variant type: single nucleotide variant.
Coding change: c.4011G>C on transcript NM_001042492.3 (MANE Select); coding-DNA position 4011, G replaced by C.
Protein change: p.Arg1337=; no amino-acid change (arginine 1337 retained).
Molecular consequence: synonymous variant.
Genome position (GRCh38, 1-based): chr17:31,249,020, G>C. VCF-style: chr17-31249020-G-C. GRCh37 (hg19) VCF-style: chr17-29576038-G-C.
Other names: c.4011G>C, p.Arg1337= (NM_000267.4).
Identifiers: ClinVar variation 996416 (VCV000996416.19), dbSNP rs2067448681, ClinGen allele CA499233067.
Genomic context (GRCh38, chr17:31,249,020, plus strand): 5'-GATTTTATTTTTATTTTTTTGTAGGTTAGAACCATCAGAGAGCCTTGAGGAAAACCAGCG[G>C]AACCTCCTTCAGATGACTGAAAAGTTCTTCCATGCCATCATCAGTTCCTCCTCAGAATTC-3'
Protein context (NP_001035957.1, residues 1327-1347): EPSESLEENQ[Arg1337=]NLLQMTEKFF

ClinVar aggregate classification (germline): Conflicting classifications of pathogenicity. Review status: criteria provided, conflicting classifications (1 of 4 stars). 6 submissions from 6 submitters: Uncertain significance (2); Benign (1); Likely benign (3). Last evaluated 2026-09-29.

Conditions:
Cardiovascular phenotype. Identifiers: MedGen CN230736.
Hereditary cancer-predisposing syndrome. Also called: Tumor predisposition; Hereditary neoplastic syndrome; Neoplastic Syndromes, Hereditary; Hereditary Cancer Syndrome. Identifiers: Orphanet 140162, MedGen C0027672, MeSH D009386, MONDO:0015356.
Neurofibromatosis, type 1 (NF1). Also called: NEUROFIBROMATOSIS, TYPE I, SOMATIC; Peripheral type neurofibromatosis; VON RECKLINGHAUSEN DISEASE; Neurofibromatosis, type I. Identifiers: Orphanet 636, MedGen C0027831, MONDO:0018975, OMIM 162200. Disease mechanism: loss of function.

Allele frequency attached by ClinVar (database versions not stated): TOPMed below 0.00001; gnomAD exomes below 0.00001.
gnomAD v4.1: 2 of 1,614,042 alleles (0.00012%); highest among the groups gnomAD compares: African/African-American, 0.0027%; no homozygotes.

Submissions (6):

Myriad Genetics, Inc.
Classification: Benign for Neurofibromatosis, type 1. Last evaluated: 2026-09-29. Review status: criteria provided, single submitter. Criteria: Myriad Autosomal Dominant, Autosomal Recessive and X-Linked Classification Criteria (2023). Collection method: clinical testing. Allele origin: unknown.
Comment: This variant is considered benign. This variant is a silent/synonymous amino acid change and it is not expected to impact splicing.

CeGaT Center for Human Genetics Tuebingen
Classification: Likely benign. Last evaluated: 2025-10-01. Review status: criteria provided, single submitter. Criteria: CeGaT Center For Human Genetics Tuebingen Variant Classification Criteria Version 2. Collection method: clinical testing. Allele origin: germline. Affected: yes. Observed: 1 variant allele.
Comment: NF1: BP4, BP7

Ambry Genetics
Classification: Likely benign for Cardiovascular phenotype; Hereditary cancer-predisposing syndrome. Last evaluated: 2025-08-22. Review status: criteria provided, single submitter. Criteria: Ambry Variant Classification Scheme 2023. Collection method: clinical testing. Allele origin: germline.

Labcorp Genetics (formerly Invitae), Labcorp
Classification: Likely benign for Neurofibromatosis, type 1. Last evaluated: 2025-06-08. Review status: criteria provided, single submitter. Criteria: Invitae Variant Classification Sherloc (09022015). Collection method: clinical testing. Allele origin: germline.

Quest Diagnostics Nichols Institute San Juan Capistrano
Classification: Uncertain significance. Last evaluated: 2024-12-19. Review status: criteria provided, single submitter. Criteria: Quest Diagnostics criteria. Collection method: clinical testing. Allele origin: unknown.

Genome Diagnostics Laboratory, The Hospital for Sick Children
Classification: Uncertain significance for Neurofibromatosis, type 1. Last evaluated: 2020-10-26. Review status: criteria provided, single submitter. Criteria: ACMG Guidelines, 2015. Collection method: clinical testing. Allele origin: germline. Affected: yes.